The following is an entry in ClinVar:

ClinVar aggregate classification (germline): Likely benign (0 of 4 stars; one submission).

Conditions:
ABCA2-related disorder. Also called: ABCA2-related condition.

Allele frequency attached by ClinVar (database versions not stated): ExAC 0.00001.
gnomAD v4.1: 11 of 1,605,482 alleles (0.00069%); highest among the groups gnomAD compares: Middle Eastern, 0.017%; no homozygotes.

Submission:

PreventionGenetics, part of Exact Sciences
Classification: Likely benign for ABCA2-related condition. Last evaluated: 2019-03-29. Review status: no assertion criteria provided. Collection method: clinical testing. Allele origin: germline.
Comment: This variant is classified as likely benign based on ACMG/AMP sequence variant interpretation guidelines (Richards et al. 2015 PMID: 25741868, with internal and published modifications).

NM_001606.5(ABCA2):c.6324G>A (p.Thr2108=)

Gene: ABCA2 (ATP binding cassette subfamily A member 2; minus strand). Cytogenetic location: 9q34.3.
Variant type: single nucleotide variant.
Coding change: c.6324G>A on transcript NM_001606.5 (MANE Select); coding-DNA position 6324, G replaced by A.
Protein change: p.Thr2108=; no amino-acid change (threonine 2108 retained).
Molecular consequence: synonymous variant.
Genome position (GRCh38, 1-based): chr9:137,010,222, C>T on the plus strand (G>A on the coding strand, the complement: ABCA2 is on the minus strand). VCF-style: chr9-137010222-C-T. GRCh37 (hg19) VCF-style: chr9-139904674-C-T.
Other names: c.6321G>A, p.Thr2107= (NM_001411042.1); c.6414G>A, p.Thr2138= (NM_212533.3).
Identifiers: ClinVar variation 3058663 (VCV003058663.2), dbSNP rs749825558, ClinGen allele CA5353649.